The following is an entry in ClinVar:

NM_000051.4(ATM):c.4707T>G (p.Val1569=)

Gene: ATM (ATM serine/threonine kinase; plus strand). Cytogenetic location: 11q22.3.
Variant type: single nucleotide variant.
Coding change: c.4707T>G on transcript NM_000051.4 (MANE Select); coding-DNA position 4707, T replaced by G.
Protein change: p.Val1569=; no amino-acid change (valine 1569 retained).
Molecular consequence: synonymous variant.
Genome position (GRCh38, 1-based): chr11:108,293,408, T>G. VCF-style: chr11-108293408-T-G. GRCh37 (hg19) VCF-style: chr11-108164135-T-G.
Other names: c.4707T>G, p.Val1569= (NM_001351834.2).
Identifiers: ClinVar variation 762154 (VCV000762154.9), dbSNP rs1591677478, ClinGen allele CA476674426.

ClinVar aggregate classification (germline): Benign/Likely benign. Review status: criteria provided, multiple submitters, no conflicts (2 of 4 stars). 2 submissions from 2 submitters: Benign (1); Likely benign (1). Last evaluated 2025-05-04.

Conditions:
Ataxia-telangiectasia syndrome (AT). Also called: Ataxia telangiectasia (A-T); Cerebello-oculocutaneous telangiectasia; Immunodeficiency with ataxia telangiectasia; LOUIS-BAR SYNDROME; ATAXIA-TELANGIECTASIA, FRESNO VARIANT; Ataxia-telangiectasia, complementation group D. Identifiers: Orphanet 100, MedGen C0004135, MONDO:0008840, OMIM 208900.
Familial cancer of breast. Also called: Hereditary breast cancer; BREAST CANCER, FAMILIAL; hereditary breast carcinoma. Identifiers: Orphanet 227535, MedGen C0346153, MONDO:0016419, OMIM 114480. Disease mechanism: loss of function.

Submissions (2):

Labcorp Genetics (formerly Invitae), Labcorp
Classification: Likely benign for Ataxia-telangiectasia syndrome. Last evaluated: 2025-05-04. Review status: criteria provided, single submitter. Criteria: Invitae Variant Classification Sherloc (09022015). Collection method: clinical testing. Allele origin: germline.

Myriad Genetics, Inc.
Classification: Benign for Familial cancer of breast. Last evaluated: 2024-05-20. Review status: criteria provided, single submitter. Criteria: Myriad Autosomal Dominant, Autosomal Recessive and X-Linked Classification Criteria (2023). Collection method: clinical testing. Allele origin: unknown.
Comment: This variant is considered benign. This variant is a silent/synonymous amino acid change and it is not expected to impact splicing.